The following is an entry in ClinVar:

ClinVar aggregate classification (germline): Uncertain significance. Review status: criteria provided, multiple submitters, no conflicts (2 of 4 stars). 2 submissions from 2 submitters: Uncertain significance (2). Last evaluated 2025-12-09.

Conditions:
Fanconi anemia complementation group O. Also called: RAD51C-Related Fanconi Anemia. Identifiers: Orphanet 84, MedGen C3150653, MONDO:0013248, OMIM 613390.
Hereditary cancer-predisposing syndrome. Also called: Hereditary Cancer Syndrome; Neoplastic Syndromes, Hereditary; Hereditary neoplastic syndrome; Tumor predisposition. Identifiers: Orphanet 140162, MedGen C0027672, MeSH D009386, MONDO:0015356.

gnomAD v4.1: 1 of 1,614,274 alleles (0.000062%); highest among the groups gnomAD compares: Non-Finnish European, 0.000085%; no homozygotes.

Submissions (2):

Labcorp Genetics (formerly Invitae), Labcorp
Classification: Uncertain significance for Fanconi anemia complementation group O. Last evaluated: 2025-12-09. Review status: criteria provided, single submitter. Criteria: Invitae Variant Classification Sherloc (09022015). Collection method: clinical testing. Allele origin: germline.
Comment: This sequence change replaces glutamine, which is neutral and polar, with histidine, which is basic and polar, at codon 33 of the RAD51C protein (p.Gln33His). This variant is not present in population databases (gnomAD no frequency). This variant has not been reported in the literature in individuals affected with RAD51C-related conditions. ClinVar contains an entry for this variant (Variation ID: 823598). Invitae Evidence Modeling of protein sequence and biophysical properties (such as structural, functional, and spatial information, amino acid conservation, physicochemical variation, residue mobility, and thermodynamic stability) indicates that this missense variant is not expected to disrupt RAD51C protein function with a negative predictive value of 80%. In summary, the available evidence is currently insufficient to determine the role of this variant in disease. Therefore, it has been classified as a Variant of Uncertain Significance.

Ambry Genetics
Classification: Uncertain significance for Hereditary cancer-predisposing syndrome. Last evaluated: 2025-05-01. Review status: criteria provided, single submitter. Criteria: Ambry Variant Classification Scheme 2023. Collection method: clinical testing. Allele origin: germline.
Comment: The p.Q33H variant (also known as c.99G>C), located in coding exon 1 of the RAD51C gene, results from a G to C substitution at nucleotide position 99. The glutamine at codon 33 is replaced by histidine, an amino acid with highly similar properties. This amino acid position is well conserved in available vertebrate species. In addition, this alteration is predicted to be tolerated by in silico analysis. Since supporting evidence is limited at this time, the clinical significance of this alteration remains unclear.

NM_058216.3(RAD51C):c.99G>C (p.Gln33His)

Gene: RAD51C (RAD51 paralog C; plus strand). Cytogenetic location: 17q22.
Variant type: single nucleotide variant.
Coding change: c.99G>C on transcript NM_058216.3 (MANE Select); coding-DNA position 99, G replaced by C.
Protein change: p.Gln33His; replaces glutamine 33 with histidine.
Molecular consequence: missense variant. On other transcripts: non-coding transcript variant (1).
Genome position (GRCh38, 1-based): chr17:58,692,742, G>C. VCF-style: chr17-58692742-G-C. GRCh37 (hg19) VCF-style: chr17-56770103-G-C.
Other names: c.99G>C, p.Gln33His (NM_002876.4); short protein forms Q33H.
Identifiers: ClinVar variation 823598 (VCV000823598.15), dbSNP rs1598449381, ClinGen allele CA400337341.
Genomic context (GRCh38, chr17:58,692,742, plus strand): 5'-TTTGGTGAGTTTCCCGCTGTCTCCAGCGGTGCGGGTGAAGCTGGTGTCTGCGGGGTTCCA[G>C]ACTGCTGAGGAACTCCTAGAGGTGAAACCCTCCGAGCTTAGCAAAGGTAACGACTCCTGA-3'
Protein context (NP_478123.1, residues 23-43): VRVKLVSAGF[Gln33His]TAEELLEVKP